The following is an entry in ClinVar:

ClinVar aggregate classification (germline): Uncertain significance (1 of 4 stars; one submission).

Conditions:
Neuropathy, hereditary sensory and autonomic, type 2A (HSAN2A). Also called: ACROOSTEOLYSIS, GIACCAI TYPE; ACROOSTEOLYSIS, NEUROGENIC; MORVAN DISEASE; NEUROPATHY, CONGENITAL SENSORY; NEUROPATHY, HEREDITARY SENSORY RADICULAR, AUTOSOMAL RECESSIVE; NEUROPATHY, HEREDITARY SENSORY, TYPE IIA. Identifiers: Orphanet 970, MedGen C2752089, MONDO:0024309, OMIM 201300.
Pseudohypoaldosteronism type 2C (PHA2C). Also called: Pseudohypoaldosteronism Type IIC. Identifiers: Orphanet 757, Orphanet 88940, MedGen C1840391, MONDO:0013778, OMIM 614492.

Submission:

Labcorp Genetics (formerly Invitae), Labcorp
Classification: Uncertain significance for Neuropathy, hereditary sensory and autonomic, type 2A; Pseudohypoaldosteronism type 2C. Last evaluated: 2024-08-15. Review status: criteria provided, single submitter. Criteria: Invitae Variant Classification Sherloc (09022015). Collection method: clinical testing. Allele origin: germline.
Comment: This sequence change replaces alanine, which is neutral and non-polar, with valine, which is neutral and non-polar, at codon 2609 of the WNK1 protein (p.Ala2609Val). This variant is not present in population databases (gnomAD no frequency). This variant has not been reported in the literature in individuals affected with WNK1-related conditions. Invitae Evidence Modeling of protein sequence and biophysical properties (such as structural, functional, and spatial information, amino acid conservation, physicochemical variation, residue mobility, and thermodynamic stability) indicates that this missense variant is not expected to disrupt WNK1 protein function with a negative predictive value of 95%. In summary, the available evidence is currently insufficient to determine the role of this variant in disease. Therefore, it has been classified as a Variant of Uncertain Significance.

NM_018979.4(WNK1):c.7070C>T (p.Ala2357Val)

Gene: WNK1 (WNK lysine deficient protein kinase 1; plus strand). Cytogenetic location: 12p13.33.
Variant type: single nucleotide variant.
Coding change: c.7070C>T on transcript NM_018979.4 (MANE Select); coding-DNA position 7070, C replaced by T.
Protein change: p.Ala2357Val; replaces alanine 2357 with valine.
Molecular consequence: missense variant.
Genome position (GRCh38, 1-based): chr12:908,713, C>T. VCF-style: chr12-908713-C-T. GRCh37 (hg19) VCF-style: chr12-1017879-C-T.
Other names: c.7850C>T, p.Ala2617Val (NM_001184985.2); c.6326C>T, p.Ala2109Val (NM_014823.3); c.7826C>T, p.Ala2609Val (NM_213655.5); short protein forms A2109V, A2357V, A2609V, A2617V.
Identifiers: ClinVar variation 3750653 (VCV003750653.2).